The following is an entry in ClinVar:

NM_004612.4(TGFBR1):c.464A>G (p.His155Arg)

Gene: TGFBR1 (transforming growth factor beta receptor 1; plus strand). Cytogenetic location: 9q22.33.
Variant type: single nucleotide variant.
Coding change: c.464A>G on transcript NM_004612.4 (MANE Select); coding-DNA position 464, A replaced by G.
Protein change: p.His155Arg; replaces histidine 155 with arginine.
Molecular consequence: missense variant. On other transcripts: intron variant (1).
Genome position (GRCh38, 1-based): chr9:99,132,629, A>G. VCF-style: chr9-99132629-A-G. GRCh37 (hg19) VCF-style: chr9-101894911-A-G.
Other names: c.476A>G, p.His159Arg (NM_001306210.2, NM_001407416.1); c.464A>G, p.His155Arg (NM_001407417.1, NM_001407435.1); c.269A>G, p.His90Arg (NM_001407418.1, NM_001407419.1, NM_001407420.1 and 1 more transcripts); c.257A>G, p.His86Arg (NM_001407423.1, NM_001407424.1, NM_001407425.1 and 8 more transcripts); c.218A>G, p.His73Arg (NM_001407436.1); c.343+3529A>G (NM_001130916.3); short protein forms H155R, H159R, H73R, H86R, H90R.
Identifiers: ClinVar variation 1804596 (VCV001804596.1), dbSNP rs1485371810, ClinGen allele CA374228129.

ClinVar aggregate classification (germline): Uncertain significance (1 of 4 stars; one submission).

Allele frequency attached by ClinVar (database versions not stated): gnomAD exomes below 0.00001.
gnomAD v4.1: 1 of 1,614,148 alleles (0.000062%); highest among the groups gnomAD compares: Non-Finnish European, 0.000085%; no homozygotes.

Submission:

GeneDx
Classification: Uncertain significance. Last evaluated: 2022-06-15. Review status: criteria provided, single submitter. Criteria: GeneDx Variant Classification Process June 2021. Collection method: clinical testing. Allele origin: germline. Affected: yes.
Comment: Has not been previously published as pathogenic or benign to our knowledge; Not observed at significant frequency in large population cohorts (gnomAD); In silico analysis supports that this missense variant does not alter protein structure/function